The following is an entry in ClinVar:

ClinVar aggregate classification (germline): Benign. Review status: criteria provided, multiple submitters, no conflicts (2 of 4 stars). 2 submissions from 2 submitters: Benign (2). Last evaluated 2018-01-13.

Conditions:
Multiple synostoses syndrome 3 (SYNS3). Identifiers: Orphanet 3237, MedGen C2751826, MONDO:0013064, OMIM 612961.

Allele frequency attached by ClinVar (database versions not stated): gnomAD exomes 0.00137; 1000 Genomes Project 30x 0.00500; TOPMed 0.00541; gnomAD 0.00436 and 0.00451; 1000 Genomes Project 0.00479.

Submissions (2):

Illumina Laboratory Services, Illumina
Classification: Benign for Multiple synostoses syndrome 3. Last evaluated: 2018-01-13. Review status: criteria provided, single submitter. Criteria: ICSL Variant Classification Criteria 13 December 2019. Collection method: clinical testing. Allele origin: germline.
Comment: This variant was observed in the ICSL laboratory as part of a predisposition screen in an ostensibly healthy population. It had not been previously curated by ICSL or reported in the Human Gene Mutation Database (HGMD: prior to June 1st, 2018), and was therefore a candidate for classification through an automated scoring system. Utilizing variant allele frequency, disease prevalence and penetrance estimates, and inheritance mode, an automated score was calculated to assess if this variant is too frequent to cause the disease. Based on the score and internal cut-off values, a variant classified as benign is not then subjected to further curation. The score for this variant resulted in a classification of benign for this disease.

Breakthrough Genomics
Classification: Benign. Review status: criteria provided, single submitter. Criteria: ACMG Guidelines, 2015. Collection method: not provided. Allele origin: germline. Inheritance: Autosomal dominant inheritance. Affected: yes.

NM_002010.3(FGF9):c.-171A>G

Gene: FGF9 (fibroblast growth factor 9; plus strand). Cytogenetic location: 13q12.11.
Variant type: single nucleotide variant.
Coding change: c.-171A>G on transcript NM_002010.3 (MANE Select); 171 bases upstream of the start codon, A replaced by G.
Molecular consequence: 5 prime UTR variant.
Genome position (GRCh38, 1-based): chr13:21,671,742, A>G. VCF-style: chr13-21671742-A-G. GRCh37 (hg19) VCF-style: chr13-22245881-A-G.
Identifiers: ClinVar variation 311413 (VCV000311413.6), dbSNP rs149762079, ClinGen allele CA10643961.